The following is an entry in ClinVar:

NM_017739.4(POMGNT1):c.1454G>A (p.Arg485His)

Genes: POMGNT1 (protein O-linked mannose N-acetylglucosaminyltransferase 1 (beta 1,2-); minus strand), TSPAN1 (tetraspanin 1; plus strand). Cytogenetic location: 1p34.1.
Variant type: single nucleotide variant.
Coding change: c.1454G>A on transcript NM_017739.4 (MANE Select); coding-DNA position 1454, G replaced by A.
Protein change: p.Arg485His; replaces arginine 485 with histidine.
Molecular consequence: missense variant.
Genome position (GRCh38, 1-based): chr1:46,192,183, C>T on the plus strand (G>A on the coding strand, the complement: POMGNT1 is on the minus strand). VCF-style: chr1-46192183-C-T. GRCh37 (hg19) VCF-style: chr1-46657855-C-T.
Other names: c.1454G>A, p.Arg485His (NM_001243766.2, NM_001410783.1); c.1388G>A, p.Arg463His (NM_001290129.3); c.1025G>A, p.Arg342His (NM_001290130.2); short protein forms R485H, R342H, R463H.
Identifiers: ClinVar variation 288113 (VCV000288113.26), dbSNP rs544816408, ClinGen allele CA833367.

ClinVar aggregate classification (germline): Conflicting classifications of pathogenicity. Review status: criteria provided, conflicting classifications (1 of 4 stars). 8 submissions from 8 submitters: Uncertain significance (5); Likely benign (1). 2 of the submissions do not count toward it. Last evaluated 2026-01-09.

Conditions:
Muscular dystrophy-dystroglycanopathy (congenital with impaired intellectual development), type B, 3. Also called: Muscular dystrophy-dystroglycanopathy (congenital with intellectual disability), type B3; MUSCULAR DYSTROPHY, CONGENITAL, POMGNT1-RELATED. Identifiers: MedGen C3150412, MONDO:0013155, OMIM 613151.
Autosomal recessive limb-girdle muscular dystrophy type 2O. Also called: MUSCULAR DYSTROPHY-DYSTROGLYCANOPATHY, LIMB-GIRDLE, POMGNT1-RELATED; Limb-Girdle Muscular Dystrophy Type 3C; MUSCULAR DYSTROPHY-DYSTROGLYCANOPATHY (LIMB-GIRDLE), TYPE C, 3. Identifiers: Orphanet 206564, MedGen C3150417, MONDO:0013161, OMIM 613157.
Muscle eye brain disease (MEB). Also called: Santavuori congenital muscular dystrophy. Identifiers: Orphanet 588, Orphanet 899, MedGen C0457133, MONDO:0018939.
Retinal dystrophy. Also called: Inherited retinal dystrophy. Identifiers: Orphanet 71862, MedGen C0854723, MeSH D058499, MONDO:0019118, HP:0000556.

Allele frequency attached by ClinVar (database versions not stated): gnomAD exomes 0.00006 and 0.00010; ExAC 0.00007; 1000 Genomes Project 30x 0.00016; gnomAD 0.00015; 1000 Genomes Project 0.00020; TOPMed 0.00024.
gnomAD v4.1: 120 of 1,614,164 alleles (0.0074%); highest among the groups gnomAD compares: South Asian, 0.089%; 1 homozygote.

Submissions (8):

Labcorp Genetics (formerly Invitae), Labcorp
Classification: Likely benign for Autosomal recessive limb-girdle muscular dystrophy type 2O; Muscular dystrophy-dystroglycanopathy (congenital with impaired intellectual development), type B, 3. Last evaluated: 2026-01-09. Review status: criteria provided, single submitter. Criteria: Invitae Variant Classification Sherloc (09022015). Collection method: clinical testing. Allele origin: germline.

Revvity Omics, Revvity
Classification: Uncertain significance. Last evaluated: 2025-06-10. Review status: criteria provided, single submitter. Criteria: ACMG Guidelines, 2015. Collection method: clinical testing. Allele origin: germline.

Blueprint Genetics
Classification: Uncertain significance. Last evaluated: 2023-01-11. Review status: criteria provided, single submitter. Criteria: ACMG Guidelines, 2015. Collection method: clinical testing. Allele origin: germline.

GeneDx
Classification: Uncertain significance. Last evaluated: 2021-09-15. Review status: criteria provided, single submitter. Criteria: GeneDx Variant Classification Process June 2021. Collection method: clinical testing. Allele origin: germline. Affected: yes.
Comment: In silico analysis, which includes protein predictors and evolutionary conservation, supports a deleterious effect; Has not been previously published as pathogenic or benign to our knowledge; This variant is associated with the following publications: (PMID: 24282183)

Athena Diagnostics
Classification: Uncertain significance. Last evaluated: 2020-07-28. Review status: criteria provided, single submitter. Criteria: Athena Diagnostics Criteria. Collection method: clinical testing. Allele origin: unknown.

Eurofins Ntd Llc (ga)
Classification: Uncertain significance. Last evaluated: 2018-05-18. Review status: criteria provided, single submitter. Criteria: EGL ClinVar v180209 classification definitions. Collection method: clinical testing. Allele origin: germline. Observed: 4 variant alleles, 4 heterozygotes.

Natera, Inc.
Classification: Uncertain significance for Muscle-eye-brain disease. Last evaluated: 2020-03-17. Review status: no assertion criteria provided. Collection method: clinical testing. Allele origin: germline. Not counted in ClinVar's aggregate classification.

Institute of Human Genetics, Univ. Regensburg, Univ. Regensburg
Classification: Uncertain significance for Retinal dystrophy. Last evaluated: 2020-01-01. Review status: no assertion criteria provided. Criteria: ACMG Guidelines, 2015. Collection method: clinical testing. Allele origin: germline. Affected: yes. Not counted in ClinVar's aggregate classification.